The following is an entry in ClinVar:

ClinVar aggregate classification (germline): Pathogenic/Likely pathogenic. Review status: criteria provided, multiple submitters, no conflicts (2 of 4 stars). 2 submissions from 2 submitters: Pathogenic (1); Likely pathogenic (1). Last evaluated 2024-01-23.

Conditions:
Familial cancer of breast. Also called: hereditary breast carcinoma; BREAST CANCER, FAMILIAL; Hereditary breast cancer. Identifiers: Orphanet 227535, MedGen C0346153, MONDO:0016419, OMIM 114480. Disease mechanism: loss of function.

Submissions (2):

Myriad Genetics, Inc.
Classification: Pathogenic for Familial cancer of breast. Last evaluated: 2024-01-23. Review status: criteria provided, single submitter. Criteria: Myriad Autosomal Dominant, Autosomal Recessive and X-Linked Classification Criteria (2023). Collection method: clinical testing. Allele origin: unknown.
Comment: This variant is considered pathogenic. This variant creates a termination codon and is predicted to result in premature protein truncation.

Baylor Genetics
Classification: Likely pathogenic for Familial cancer of breast. Last evaluated: 2023-09-06. Review status: criteria provided, single submitter. Criteria: ACMG Guidelines, 2015. Collection method: clinical testing. Allele origin: unknown.

NM_000051.4(ATM):c.3937G>T (p.Glu1313Ter)

Gene: ATM (ATM serine/threonine kinase; plus strand). Cytogenetic location: 11q22.3.
Variant type: single nucleotide variant.
Coding change: c.3937G>T on transcript NM_000051.4 (MANE Select); coding-DNA position 3937, G replaced by T.
Protein change: p.Glu1313Ter; replaces glutamic acid 1313 with a stop codon.
Molecular consequence: nonsense.
Genome position (GRCh38, 1-based): chr11:108,284,417, G>T. VCF-style: chr11-108284417-G-T. GRCh37 (hg19) VCF-style: chr11-108155144-G-T.
Other names: c.3937G>T, p.Glu1313Ter (NM_001351834.2); short protein forms E1313*.
Identifiers: ClinVar variation 2679673 (VCV002679673.2), dbSNP rs3092841, ClinGen allele CA382525940.